The following is an entry in ClinVar:

ClinVar aggregate classification (germline): Benign/Likely benign. Review status: criteria provided, multiple submitters, no conflicts (2 of 4 stars). 6 submissions from 6 submitters: Benign (1); Likely benign (5). Last evaluated 2025-11-10.

Conditions:
APC-related disorder. Also called: APC-related condition.
Hereditary cancer-predisposing syndrome. Also called: Neoplastic Syndromes, Hereditary; Hereditary Cancer Syndrome; Tumor predisposition; Hereditary neoplastic syndrome. Identifiers: Orphanet 140162, MedGen C0027672, MeSH D009386, MONDO:0015356.
Familial adenomatous polyposis 1 (FAP1). Also called: FAMILIAL ADENOMATOUS POLYPOSIS 1, ATTENUATED; POLYPOSIS, ADENOMATOUS INTESTINAL. Identifiers: MedGen C2713442, MONDO:0021056, OMIM 175100. Disease mechanism: loss of function.

Allele frequency attached by ClinVar (database versions not stated): gnomAD exomes below 0.00001; ExAC 0.00001.
gnomAD v4.1: 9 of 1,613,804 alleles (0.00056%); highest among the groups gnomAD compares: South Asian, 0.0011%; no homozygotes.

Submissions (6):

PreventionGenetics, part of Exact Sciences
Classification: Likely benign for APC-related condition. Last evaluated: 2025-11-10. Review status: criteria provided, single submitter. Criteria: ACMG Guidelines, 2015. Collection method: clinical testing. Allele origin: germline.
Comment: This variant is classified as likely benign based on ACMG/AMP sequence variant interpretation guidelines (Richards et al. 2015 PMID: 25741868, with internal and published modifications).

Labcorp Genetics (formerly Invitae), Labcorp
Classification: Likely benign for Familial adenomatous polyposis 1. Last evaluated: 2025-01-11. Review status: criteria provided, single submitter. Criteria: Invitae Variant Classification Sherloc (09022015). Collection method: clinical testing. Allele origin: germline.

Myriad Genetics, Inc.
Classification: Benign for Familial adenomatous polyposis 1. Last evaluated: 2024-04-09. Review status: criteria provided, single submitter. Criteria: Myriad Autosomal Dominant, Autosomal Recessive and X-Linked Classification Criteria (2023). Collection method: clinical testing. Allele origin: unknown.
Comment: This variant is considered benign. This variant is a silent/synonymous amino acid change and it is not expected to impact splicing.

Color Diagnostics, LLC DBA Color Health
Classification: Likely benign for Hereditary cancer-predisposing syndrome. Last evaluated: 2019-11-22. Review status: criteria provided, single submitter. Criteria: ACMG Guidelines, 2015. Collection method: clinical testing. Allele origin: germline.

GeneDx
Classification: Likely benign. Last evaluated: 2017-11-06. Review status: criteria provided, single submitter. Criteria: GeneDx Variant Classification (06012015). Collection method: clinical testing. Allele origin: germline. Affected: yes.
Comment: This variant is considered likely benign or benign based on one or more of the following criteria: it is a conservative change, it occurs at a poorly conserved position in the protein, it is predicted to be benign by multiple in silico algorithms, and/or has population frequency not consistent with disease.

Ambry Genetics
Classification: Likely benign for Hereditary cancer-predisposing syndrome. Last evaluated: 2016-07-11. Review status: criteria provided, single submitter. Criteria: Ambry Variant Classification Scheme 2023. Collection method: clinical testing. Allele origin: germline.

NM_000038.6(APC):c.7239G>A (p.Lys2413=)

Gene: APC (APC regulator of Wnt signaling pathway; plus strand). Cytogenetic location: 5q22.2.
Variant type: single nucleotide variant.
Coding change: c.7239G>A on transcript NM_000038.6 (MANE Select); coding-DNA position 7239, G replaced by A.
Protein change: p.Lys2413=; no amino-acid change (lysine 2413 retained).
Molecular consequence: synonymous variant.
Genome position (GRCh38, 1-based): chr5:112,842,833, G>A. VCF-style: chr5-112842833-G-A. GRCh37 (hg19) VCF-style: chr5-112178530-G-A.
Other names: c.7239G>A, p.Lys2413= (NM_001127510.3, NM_001354895.2); c.7185G>A, p.Lys2395= (NM_001127511.3); c.7293G>A, p.Lys2431= (NM_001354896.2); c.7269G>A, p.Lys2423= (NM_001354897.2); c.7164G>A, p.Lys2388= (NM_001354898.2); c.7155G>A, p.Lys2385= (NM_001354899.2); c.7116G>A, p.Lys2372= (NM_001354900.2); c.7062G>A, p.Lys2354= (NM_001354901.2); and 5 more.
Identifiers: ClinVar variation 482380 (VCV000482380.19), dbSNP rs773598516, ClinGen allele CA047306.